The following is an entry in ClinVar:

NM_001394062.1(MACF1):c.11281G>A (p.Gly3761Ser)

Gene: MACF1 (microtubule actin crosslinking factor 1; plus strand). Cytogenetic location: 1p34.3.
Variant type: single nucleotide variant.
Coding change: c.11281G>A on transcript NM_001394062.1 (MANE Select); coding-DNA position 11281, G replaced by A.
Protein change: p.Gly3761Ser; replaces glycine 3761 with serine.
Molecular consequence: missense variant.
Genome position (GRCh38, 1-based): chr1:39,353,088, G>A. VCF-style: chr1-39353088-G-A. GRCh37 (hg19) VCF-style: chr1-39818760-G-A.
Other names: c.5095G>A, p.Gly1699Ser (NM_012090.5); short protein forms G1699S, G3761S.
Identifiers: ClinVar variation 4991389 (VCV004991389.1).
Genomic context (GRCh38, chr1:39,353,088, plus strand): 5'-GCAGAGAACAAGAAGAAGATCGATGCTCTCCTGGATTGGGTAACTTCAGTAGGATCATCT[G>A]GTGGACAGCTGCTGACCAACCTTCCAGGAATGGAGCAGCTCTCGGGAGCTAGCTTGGAGA-3'
Protein context (NP_001380991.1, residues 3751-3771): LDWVTSVGSS[Gly3761Ser]GQLLTNLPGM

ClinVar aggregate classification (germline): Uncertain significance (1 of 4 stars; one submission).

Conditions:
MACF1-related disorder. Also called: MACF1-related condition.

Submission:

PreventionGenetics, part of Exact Sciences
Classification: Uncertain significance for MACF1-related condition. Last evaluated: 2025-09-18. Review status: criteria provided, single submitter. Criteria: ACMG Guidelines, 2015. Collection method: clinical testing. Allele origin: germline.
Comment: The MACF1 c.5095G>A variant is predicted to result in the amino acid substitution p.Gly1699Ser. To our knowledge, this variant has not been reported in the literature or in a large population database (gnomAD), indicating this variant is rare. At this time, the clinical significance of this variant is uncertain due to the absence of conclusive functional and genetic evidence.